The following is an entry in ClinVar:

NM_001375524.1(TRRAP):c.7839+9G>A

Gene: TRRAP (transformation/transcription domain associated protein; plus strand). Cytogenetic location: 7q22.1.
Variant type: single nucleotide variant.
Coding change: c.7839+9G>A on transcript NM_001375524.1 (MANE Select); 9 bases into the intron after coding-DNA position 7839, G replaced by A.
Molecular consequence: intron variant.
Genome position (GRCh38, 1-based): chr7:98,971,954, G>A. VCF-style: chr7-98971954-G-A. GRCh37 (hg19) VCF-style: chr7-98569577-G-A.
Other names: c.7818+9G>A (NM_001244580.2); c.7764+9G>A (NM_003496.4).
Identifiers: ClinVar variation 778938 (VCV000778938.15), dbSNP rs182675202, ClinGen allele CA4361242.

ClinVar aggregate classification (germline): Benign. Review status: criteria provided, multiple submitters, no conflicts (2 of 4 stars). 4 submissions from 4 submitters: Benign (3). 1 of the submissions does not count toward it. Last evaluated 2026-02-03.

Conditions:
TRRAP-related disorder. Also called: TRRAP-related condition.

Allele frequency attached by ClinVar (database versions not stated): ESP Exome Variant Server 0.00015; gnomAD exomes 0.00259 and 0.01071; gnomAD 0.00556 and 0.00565; ExAC 0.00797; 1000 Genomes Project 0.00839; TOPMed 0.00892; 1000 Genomes Project 30x 0.00984.
gnomAD v4.1: 4,601 of 1,613,144 alleles (0.29%); highest among the groups gnomAD compares: Admixed American, 6.7%; 163 homozygotes.

Submissions (4):

Labcorp Genetics (formerly Invitae), Labcorp
Classification: Benign. Last evaluated: 2026-02-03. Review status: criteria provided, single submitter. Criteria: Invitae Variant Classification Sherloc (09022015). Collection method: clinical testing. Allele origin: germline.

GeneDx
Classification: Benign. Last evaluated: 2021-05-19. Review status: criteria provided, single submitter. Criteria: GeneDx Variant Classification Process June 2021. Collection method: clinical testing. Allele origin: germline. Affected: yes.

Breakthrough Genomics
Classification: Benign. Review status: criteria provided, single submitter. Criteria: ACMG Guidelines, 2015. Collection method: not provided. Allele origin: germline. Inheritance: Autosomal dominant inheritance. Affected: yes.

PreventionGenetics, part of Exact Sciences
Classification: Benign for TRRAP-related condition. Last evaluated: 2019-09-26. Review status: no assertion criteria provided. Collection method: clinical testing. Allele origin: germline. Not counted in ClinVar's aggregate classification.
Comment: This variant is classified as benign based on ACMG/AMP sequence variant interpretation guidelines (Richards et al. 2015 PMID: 25741868, with internal and published modifications).